The following is an entry in ClinVar:

NC_000016.9:g.(?_15917092)_(15932109_?)dup

Gene: MYH11 (myosin heavy chain 11; minus strand). Cytogenetic location: 16p13.11.
Variant type: Duplication.
Identifiers: ClinVar variation 1410058 (VCV001410058.4).

ClinVar aggregate classification (germline): Uncertain significance (1 of 4 stars; one submission).

Conditions:
Aortic aneurysm, familial thoracic 4 (AAT4). Also called: AORTIC ANEURYSM/AORTIC DISSECTION AND PATENT DUCTUS ARTERIOSUS. Identifiers: MedGen C1851504, MONDO:0007568, OMIM 132900.

Submission:

Labcorp Genetics (formerly Invitae), Labcorp
Classification: Uncertain significance for Aortic aneurysm, familial thoracic 4. Last evaluated: 2021-07-07. Review status: criteria provided, single submitter. Criteria: Invitae Variant Classification Sherloc (09022015). Collection method: clinical testing. Allele origin: germline.
Comment: In summary, the available evidence is currently insufficient to determine the role of this variant in disease. Therefore, it has been classified as a Variant of Uncertain Significance. Experimental studies and prediction algorithms are not available or were not evaluated, and the functional significance of this variant is currently unknown. A similar copy number variant has been observed in individual(s) with MYH11-related conditions (Invitae). This variant results in a copy number gain of the genomic region encompassing exon(s) 2-3 of the MYH11 gene. This region includes the initiator codon of the gene. The 5' end of this event is unknown as it extends beyond the assayed region for this gene and therefore may encompass additional genes. The 3' boundary is likely confined to intron 3 of the MYH11 gene. As the precise location of this event is unknown, it may be in tandem or it may be located elsewhere in the genome.